The following is an entry in ClinVar:

NM_000742.4(CHRNA2):c.338A>C (p.Gln113Pro)

Gene: CHRNA2 (cholinergic receptor nicotinic alpha 2 subunit; minus strand). Cytogenetic location: 8p21.2.
Variant type: single nucleotide variant.
Coding change: c.338A>C on transcript NM_000742.4 (MANE Select); coding-DNA position 338, A replaced by C.
Protein change: p.Gln113Pro; replaces glutamine 113 with proline.
Molecular consequence: missense variant. On other transcripts: 5 prime UTR variant (4).
Genome position (GRCh38, 1-based): chr8:27,469,336, T>G on the plus strand (A>C on the coding strand, the complement: CHRNA2 is on the minus strand). VCF-style: chr8-27469336-T-G. GRCh37 (hg19) VCF-style: chr8-27326853-T-G.
Other names: c.293A>C, p.Gln98Pro (NM_001282455.2); c.-135A>C (NM_001347705.2, NM_001347706.2); c.-121A>C (NM_001347707.2); c.-124A>C (NM_001347708.2); short protein forms Q113P, Q98P.
Identifiers: ClinVar variation 3002966 (VCV003002966.3), dbSNP rs748560508, ClinGen allele CA4689713.

ClinVar aggregate classification (germline): Uncertain significance (1 of 4 stars; one submission).

Conditions:
Familial sleep-related hypermotor epilepsy. Also called: Autosomal Dominant Sleep-Related Hypermotor (Hyperkinetic) Epilepsy. Identifiers: Orphanet 98784, MedGen C3696898, MONDO:0000030.

Allele frequency attached by ClinVar (database versions not stated): TOPMed 0.00001.

Submission:

Labcorp Genetics (formerly Invitae), Labcorp
Classification: Uncertain significance. Last evaluated: 2023-06-18. Review status: criteria provided, single submitter. Criteria: Invitae Variant Classification Sherloc (09022015). Collection method: clinical testing. Allele origin: germline.
Comment: In summary, the available evidence is currently insufficient to determine the role of this variant in disease. Therefore, it has been classified as a Variant of Uncertain Significance. An algorithm developed to predict the effect of missense changes on protein structure and function (PolyPhen-2) suggests that this variant is likely to be disruptive. This variant has not been reported in the literature in individuals affected with CHRNA2-related conditions. This variant is not present in population databases (gnomAD no frequency). This sequence change replaces glutamine, which is neutral and polar, with proline, which is neutral and non-polar, at codon 113 of the CHRNA2 protein (p.Gln113Pro).